The following is an entry in ClinVar:

ClinVar aggregate classification (germline): Uncertain significance (1 of 4 stars; one submission).

Conditions:
PLXNA2-related disorder. Also called: PLXNA2-related condition.

Allele frequency attached by ClinVar (database versions not stated): gnomAD exomes below 0.00001; ESP Exome Variant Server 0.00008.
gnomAD v4.1: 1 of 1,613,694 alleles (0.000062%); highest among the groups gnomAD compares: African/African-American, 0.0013%; no homozygotes.

Submission:

PreventionGenetics, part of Exact Sciences
Classification: Uncertain significance for PLXNA2-related condition. Last evaluated: 2024-10-11. Review status: criteria provided, single submitter. Criteria: ACMG Guidelines, 2015. Collection method: clinical testing. Allele origin: germline.
Comment: The PLXNA2 c.5137A>G variant is predicted to result in the amino acid substitution p.Ile1713Val. To our knowledge, this variant has not been reported in the literature or in a large population database, indicating this variant is rare. At this time, the clinical significance of this variant is uncertain due to the absence of conclusive functional and genetic evidence.

NM_025179.4(PLXNA2):c.5137A>G (p.Ile1713Val)

Gene: PLXNA2 (plexin A2; minus strand). Cytogenetic location: 1q32.2.
Variant type: single nucleotide variant.
Coding change: c.5137A>G on transcript NM_025179.4 (MANE Select); coding-DNA position 5137, A replaced by G.
Protein change: p.Ile1713Val; replaces isoleucine 1713 with valine.
Molecular consequence: missense variant.
Genome position (GRCh38, 1-based): chr1:208,031,678, T>C on the plus strand (A>G on the coding strand, the complement: PLXNA2 is on the minus strand). VCF-style: chr1-208031678-T-C. GRCh37 (hg19) VCF-style: chr1-208205023-T-C.
Other names: short protein forms I1713V.
Identifiers: ClinVar variation 2637341 (VCV002637341.2), dbSNP rs146748679, ClinGen allele CA36688250.